The following is an entry in ClinVar:

ClinVar aggregate classification (germline): Uncertain significance (1 of 4 stars; one submission).

Conditions:
Congenital contractural arachnodactyly (CCA). Also called: Beals-Hecht syndrome; BEALS SYNDROME; Arthrogryposis, distal, type 9. Identifiers: Orphanet 115, MedGen C0220668, MONDO:0007363, OMIM 121050.

Allele frequency attached by ClinVar (database versions not stated): gnomAD exomes below 0.00001.
gnomAD v4.1: 2 of 1,613,688 alleles (0.00012%); highest among the groups gnomAD compares: Non-Finnish European, 0.00017%; no homozygotes.

Submission:

Labcorp Genetics (formerly Invitae), Labcorp
Classification: Uncertain significance for Congenital contractural arachnodactyly. Last evaluated: 2024-01-04. Review status: criteria provided, single submitter. Criteria: Invitae Variant Classification Sherloc (09022015). Collection method: clinical testing. Allele origin: germline.
Comment: This sequence change replaces leucine, which is neutral and non-polar, with histidine, which is basic and polar, at codon 2812 of the FBN2 protein (p.Leu2812His). This variant is not present in population databases (gnomAD no frequency). This variant has not been reported in the literature in individuals affected with FBN2-related conditions. Advanced modeling of protein sequence and biophysical properties (such as structural, functional, and spatial information, amino acid conservation, physicochemical variation, residue mobility, and thermodynamic stability) performed at Invitae indicates that this missense variant is not expected to disrupt FBN2 protein function with a negative predictive value of 80%. In summary, the available evidence is currently insufficient to determine the role of this variant in disease. Therefore, it has been classified as a Variant of Uncertain Significance.

NM_001999.4(FBN2):c.8435T>A (p.Leu2812His)

Gene: FBN2 (fibrillin 2; minus strand). Cytogenetic location: 5q23.3.
Variant type: single nucleotide variant.
Coding change: c.8435T>A on transcript NM_001999.4 (MANE Select); coding-DNA position 8435, T replaced by A.
Protein change: p.Leu2812His; replaces leucine 2812 with histidine.
Molecular consequence: missense variant.
Genome position (GRCh38, 1-based): chr5:128,259,759, A>T on the plus strand (T>A on the coding strand, the complement: FBN2 is on the minus strand). VCF-style: chr5-128259759-A-T. GRCh37 (hg19) VCF-style: chr5-127595451-A-T.
Other names: short protein forms L2812H.
Identifiers: ClinVar variation 2694445 (VCV002694445.3), dbSNP rs2126791973, ClinGen allele CA360745833.